The following is an entry in ClinVar:

NM_000160.5(GCGR):c.955TTC[1] (p.Phe320del)

Gene: GCGR (glucagon receptor; plus strand). Cytogenetic location: 17q25.3.
Variant type: Microsatellite.
Coding change: c.955TTC[1] on transcript NM_000160.5 (MANE Select); one copy of the 3-base unit TTC starting at c.955; the reference has two copies in a row; one copy, 3 bases deleted.
Protein change: p.Phe320del; deletes phenylalanine 320.
Molecular consequence: inframe deletion.
Genome position (GRCh38, 1-based): chr17:81,812,586-81,812,588, TTC deleted; deleting any 3 consecutive bases within chr17:81,812,582-81,812,588 gives the same sequence; the position shown is the placement nearest the transcript's 3' end. VCF-style (leftmost placement, unchanged base first): chr17-81812581-ACTT-A. GRCh37 (hg19) VCF-style: chr17-79770457-ACTT-A.
Other names: short protein forms F320del.
Identifiers: ClinVar variation 592589 (VCV000592589.9), dbSNP rs1202703638, ClinGen allele CA627769283.

ClinVar aggregate classification (germline): Uncertain significance. Review status: criteria provided, multiple submitters, no conflicts (2 of 4 stars). 3 submissions from 3 submitters: Uncertain significance (2). 1 of the submissions does not count toward it. Last evaluated 2024-12-24.

Conditions:
GCGR-related hyperglucagonemia. Also called: ALPHA-CELL HYPERPLASIA WITH GLUCAGONEMIA; Mahvash disease. Identifiers: Orphanet 438274, MedGen C4763635, MONDO:0018582, OMIM 619290.

Submissions (3):

Labcorp Genetics (formerly Invitae), Labcorp
Classification: Uncertain significance. Last evaluated: 2024-12-24. Review status: criteria provided, single submitter. Criteria: Invitae Variant Classification Sherloc (09022015). Collection method: clinical testing. Allele origin: germline.
Comment: This variant, c.958_960del, results in the deletion of 1 amino acid(s) of the GCGR protein (p.Phe320del), but otherwise preserves the integrity of the reading frame. This variant is present in population databases (no rsID available, gnomAD 0.002%). This variant has been observed in individual(s) with glucagon receptor defect (PMID: 30294546). Algorithms developed to predict the effect of variants on gene product structure and function are not available or were not evaluated for this variant. Experimental studies have shown that this variant affects GCGR function (PMID: 30294546). In summary, the available evidence is currently insufficient to determine the role of this variant in disease. Therefore, it has been classified as a Variant of Uncertain Significance.

Eurofins Ntd Llc (ga)
Classification: Uncertain significance. Last evaluated: 2017-10-25. Review status: criteria provided, single submitter. Criteria: EGL Classification Definitions 2015. Collection method: clinical testing. Allele origin: germline. Observed: 3 variant alleles, 2 heterozygotes, 1 homozygote.

OMIM
Classification: Pathogenic for MAHVASH DISEASE. Last evaluated: 2021-04-23. Review status: no assertion criteria provided. Collection method: literature only. Allele origin: germline. Not counted in ClinVar's aggregate classification.

Literature cited by the submitters: PubMed 30294546 (cited by Labcorp Genetics (formerly Invitae), Labcorp and OMIM).